The following is an entry in ClinVar:

NM_000388.4(CASR):c.3166G>C (p.Val1056Leu)

Gene: CASR (calcium sensing receptor; plus strand). Cytogenetic location: 3q21.1.
Variant type: single nucleotide variant.
Coding change: c.3166G>C on transcript NM_000388.4 (MANE Select); coding-DNA position 3166, G replaced by C.
Protein change: p.Val1056Leu; replaces valine 1056 with leucine.
Molecular consequence: missense variant.
Genome position (GRCh38, 1-based): chr3:122,285,120, G>C. VCF-style: chr3-122285120-G-C. GRCh37 (hg19) VCF-style: chr3-122003967-G-C.
Other names: c.3196G>C, p.Val1066Leu (NM_001178065.2); short protein forms V1056L, V1066L.
Identifiers: ClinVar variation 933257 (VCV000933257.10), dbSNP rs2074954670, ClinGen allele CA354161662.

ClinVar aggregate classification (germline): Uncertain significance (1 of 4 stars; one submission).

Conditions:
Autosomal dominant hypocalcemia 1 (HYPOC1). Also called: HYPOCALCEMIA, FAMILIAL. Identifiers: MedGen C3715128, MONDO:0011013, OMIM 601198.
Familial hypocalciuric hypercalcemia (FHH). Also called: Familial benign hypercalcemia. Identifiers: Orphanet 405, MedGen C1809471, MONDO:0018458.

Allele frequency attached by ClinVar (database versions not stated): gnomAD exomes below 0.00001.
gnomAD v4.1: 3 of 1,614,228 alleles (0.00019%); highest among the groups gnomAD compares: Non-Finnish European, 0.00025%; no homozygotes.

Submission:

Labcorp Genetics (formerly Invitae), Labcorp
Classification: Uncertain significance for Familial hypocalciuric hypercalcemia; Autosomal dominant hypocalcemia 1. Last evaluated: 2025-07-27. Review status: criteria provided, single submitter. Criteria: Invitae Variant Classification Sherloc (09022015). Collection method: clinical testing. Allele origin: germline.
Comment: This sequence change replaces valine, which is neutral and non-polar, with leucine, which is neutral and non-polar, at codon 1056 of the CASR protein (p.Val1056Leu). This variant is not present in population databases (gnomAD no frequency). This variant has not been reported in the literature in individuals affected with CASR-related conditions. ClinVar contains an entry for this variant (Variation ID: 933257). An algorithm developed to predict the effect of missense changes on protein structure and function (PolyPhen-2) suggests that this variant is likely to be tolerated. In summary, the available evidence is currently insufficient to determine the role of this variant in disease. Therefore, it has been classified as a Variant of Uncertain Significance.